The following is an entry in ClinVar:

ClinVar aggregate classification (germline): Likely benign. Review status: criteria provided, multiple submitters, no conflicts (2 of 4 stars). 4 submissions from 4 submitters: Likely benign (4). Last evaluated 2025-09-06.

Conditions:
Charcot-Marie-Tooth disease type 4. Also called: Charcot-Marie-Tooth disease, type IV; Charcot-Marie-Tooth, Type 4. Identifiers: Orphanet 64749, MedGen C4082197, MONDO:0018995.
Charcot-Marie-Tooth disease. Also called: Charcot-Marie-Tooth Neuropathy; Charcot-Marie-Tooth Hereditary Neuropathy. Identifiers: Orphanet 166, MedGen C0007959, MONDO:0015626.

Allele frequency attached by ClinVar (database versions not stated): ExAC 0.00002; gnomAD exomes 0.00003 and 0.00006; gnomAD 0.00004; TOPMed 0.00005.
gnomAD v4.1: 88 of 1,614,140 alleles (0.0055%); highest among the groups gnomAD compares: Non-Finnish European, 0.0074%; no homozygotes.

Submissions (4):

Labcorp Genetics (formerly Invitae), Labcorp
Classification: Likely benign for Charcot-Marie-Tooth disease type 4. Last evaluated: 2025-09-06. Review status: criteria provided, single submitter. Criteria: Invitae Variant Classification Sherloc (09022015). Collection method: clinical testing. Allele origin: germline.

Blueprint Genetics
Classification: Likely benign. Last evaluated: 2023-11-15. Review status: criteria provided, single submitter. Criteria: ACMG Guidelines, 2015. Collection method: clinical testing. Allele origin: germline.

CeGaT Center for Human Genetics Tuebingen
Classification: Likely benign. Last evaluated: 2023-06-01. Review status: criteria provided, single submitter. Criteria: CeGaT Center For Human Genetics Tuebingen Variant Classification Criteria Version 2. Collection method: clinical testing. Allele origin: germline. Affected: yes. Observed: 1 variant allele.
Comment: SBF2: BP4, BP7

Molecular Genetics Laboratory, London Health Sciences Centre
Classification: Likely benign for Charcot-Marie-Tooth disease. Review status: criteria provided, single submitter. Criteria: ACMG Guidelines, 2015. Collection method: clinical testing. Allele origin: germline. Affected: yes.

NM_030962.4(SBF2):c.4101T>G (p.Thr1367=)

Gene: SBF2 (SET binding factor 2; minus strand). Cytogenetic location: 11p15.4.
Variant type: single nucleotide variant.
Coding change: c.4101T>G on transcript NM_030962.4 (MANE Select); coding-DNA position 4101, T replaced by G.
Protein change: p.Thr1367=; no amino-acid change (threonine 1367 retained).
Molecular consequence: synonymous variant.
Genome position (GRCh38, 1-based): chr11:9,812,586, A>C on the plus strand (T>G on the coding strand, the complement: SBF2 is on the minus strand). VCF-style: chr11-9812586-A-C. GRCh37 (hg19) VCF-style: chr11-9834133-A-C.
Other names: c.4197T>G, p.Thr1399= (NM_001386339.1); c.3972T>G, p.Thr1324= (NM_001386342.1).
Identifiers: ClinVar variation 916941 (VCV000916941.35), dbSNP rs766353139, ClinGen allele CA5881065.
Genomic context (GRCh38, chr11:9,812,586, plus strand): 5'-CATTACCTGTGGGAACCACTCAGAATCTCCCAGCGCTTTCAGGAAGGTCACTTCTGAGTC[A>C]GTAGGGATGGTGCTTGGGATACAAGCCCTCATCAGCTTCTTAAAACTGGCTTTCACTTGC-3'
Protein context (NP_112224.1, residues 1357-1377): MRACIPSTIP[Thr1367=]DSEVTFLKAL